The following is an entry in ClinVar:

ClinVar aggregate classification (germline): Uncertain significance. Review status: criteria provided, multiple submitters, no conflicts (2 of 4 stars). 2 submissions from 2 submitters: Uncertain significance (2). Last evaluated 2022-12-19.

Conditions:
Peroxisome biogenesis disorder 3A (Zellweger). Also called: PEROXISOMAL BIOGENESIS DISORDER 3A (ZELLWEGER); Peroxisome biogenesis disorder 3A. Identifiers: Orphanet 912, MedGen C3553929, MONDO:0013927, OMIM 614859.
Inborn genetic diseases. Identifiers: MedGen C0950123, MeSH D030342.

Allele frequency attached by ClinVar (database versions not stated): gnomAD exomes 0.00001 and 0.00002; ExAC 0.00002.
gnomAD v4.1: 26 of 1,614,218 alleles (0.0016%); highest among the groups gnomAD compares: Middle Eastern, 0.016%; no homozygotes.

Submissions (2):

Ambry Genetics
Classification: Uncertain significance for Inborn genetic diseases. Last evaluated: 2022-12-19. Review status: criteria provided, single submitter. Criteria: Ambry Variant Classification Scheme 2023. Collection method: clinical testing. Allele origin: germline.

Labcorp Genetics (formerly Invitae), Labcorp
Classification: Uncertain significance for Peroxisome biogenesis disorder 3A (Zellweger). Last evaluated: 2022-02-24. Review status: criteria provided, single submitter. Criteria: Invitae Variant Classification Sherloc (09022015). Collection method: clinical testing. Allele origin: germline.
Comment: This sequence change replaces valine, which is neutral and non-polar, with leucine, which is neutral and non-polar, at codon 333 of the PEX12 protein (p.Val333Leu). This variant is present in population databases (rs762912502, gnomAD 0.002%). This variant has not been reported in the literature in individuals affected with PEX12-related conditions. ClinVar contains an entry for this variant (Variation ID: 837474). Algorithms developed to predict the effect of missense changes on protein structure and function are either unavailable or do not agree on the potential impact of this missense change (SIFT: "Tolerated"; PolyPhen-2: "Probably Damaging"; Align-GVGD: "Class C0"). In summary, the available evidence is currently insufficient to determine the role of this variant in disease. Therefore, it has been classified as a Variant of Uncertain Significance.

NM_000286.3(PEX12):c.997G>T (p.Val333Leu)

Gene: PEX12 (peroxisomal biogenesis factor 12; minus strand). Cytogenetic location: 17q12.
Variant type: single nucleotide variant.
Coding change: c.997G>T on transcript NM_000286.3 (MANE Select); coding-DNA position 997, G replaced by T.
Protein change: p.Val333Leu; replaces valine 333 with leucine.
Molecular consequence: missense variant.
Genome position (GRCh38, 1-based): chr17:35,575,865, C>A on the plus strand (G>T on the coding strand, the complement: PEX12 is on the minus strand). VCF-style: chr17-35575865-C-A. GRCh37 (hg19) VCF-style: chr17-33902884-C-A.
Other names: short protein forms V333L.
Identifiers: ClinVar variation 837474 (VCV000837474.7), dbSNP rs762912502, ClinGen allele CA8504807.